The following is an entry in ClinVar:

ClinVar aggregate classification (germline): Pathogenic (1 of 4 stars; one submission).

Allele frequency attached by ClinVar (database versions not stated): gnomAD exomes below 0.00001.
gnomAD v4.1: 1 of 1,613,056 alleles (0.000062%); highest among the groups gnomAD compares: Non-Finnish European, 0.000085%; no homozygotes.

Submission:

Labcorp Genetics (formerly Invitae), Labcorp
Classification: Pathogenic. Last evaluated: 2022-03-31. Review status: criteria provided, single submitter. Criteria: Invitae Variant Classification Sherloc (09022015). Collection method: clinical testing. Allele origin: germline.
Comment: For these reasons, this variant has been classified as Pathogenic. This variant has not been reported in the literature in individuals affected with ADAMTS10-related conditions. This variant is not present in population databases (gnomAD no frequency). This sequence change creates a premature translational stop signal (p.Lys871*) in the ADAMTS10 gene. It is expected to result in an absent or disrupted protein product. Loss-of-function variants in ADAMTS10 are known to be pathogenic (PMID: 15368195, 18567016).

Literature cited by the submitters: PubMed 15368195; PubMed 18567016.

NM_030957.4(ADAMTS10):c.2611A>T (p.Lys871Ter)

Gene: ADAMTS10 (ADAM metallopeptidase with thrombospondin type 1 motif 10; minus strand). Cytogenetic location: 19p13.2.
Variant type: single nucleotide variant.
Coding change: c.2611A>T on transcript NM_030957.4 (MANE Select); coding-DNA position 2611, A replaced by T.
Protein change: p.Lys871Ter; replaces lysine 871 with a stop codon.
Molecular consequence: nonsense.
Genome position (GRCh38, 1-based): chr19:8,586,171, T>A on the plus strand (A>T on the coding strand, the complement: ADAMTS10 is on the minus strand). VCF-style: chr19-8586171-T-A. GRCh37 (hg19) VCF-style: chr19-8651055-T-A.
Other names: c.1072A>T, p.Lys358Ter (NM_001282352.2); short protein forms K871*, K358*.
Identifiers: ClinVar variation 2096377 (VCV002096377.4), dbSNP rs2512579074, ClinGen allele CA403749394.